The following is an entry in ClinVar:

ClinVar aggregate classification (germline): Likely benign. Review status: criteria provided, multiple submitters, no conflicts (2 of 4 stars). 4 submissions from 4 submitters: Likely benign (3). 1 of the submissions does not count toward it. Last evaluated 2025-11-18.

Conditions:
Inborn genetic diseases. Identifiers: MedGen C0950123, MeSH D030342.
DCTN1-related disorder. Also called: DCTN1-related condition.
Perry syndrome. Also called: PARKINSONISM WITH ALVEOLAR HYPOVENTILATION AND MENTAL DEPRESSION. Identifiers: Orphanet 178509, MedGen C1868594, MONDO:0008201, OMIM 168605.
Neuronopathy, distal hereditary motor, type 7B. Also called: HMN VIIB; LOWER MOTOR NEURON DISEASE, DYNACTIN TYPE; NEURONOPATHY, DISTAL HEREDITARY MOTOR, AUTOSOMAL DOMINANT 14; NEURONOPATHY, DISTAL HEREDITARY MOTOR, HARDING TYPE VIIB; NEUROPATHY, DISTAL HEREDITARY MOTOR, HARDING TYPE VIIB; NEUROPATHY, DISTAL HEREDITARY MOTOR, WITH VOCAL CORD PARALYSIS, HARDING TYPE VIIB. Identifiers: Orphanet 139589, MedGen C1843315, MONDO:0011879, OMIM 607641.
Amyotrophic lateral sclerosis type 1 (ALS1). Also called: AMYOTROPHIC LATERAL SCLEROSIS 1, FAMILIAL. Identifiers: Orphanet 803, MedGen C1862939, MONDO:0007103, OMIM 105400.

Allele frequency attached by ClinVar (database versions not stated): ExAC 0.00002; gnomAD exomes 0.00004 and 0.00007; gnomAD 0.00005; TOPMed 0.00005.
gnomAD v4.1: 114 of 1,614,136 alleles (0.0071%); highest among the groups gnomAD compares: Non-Finnish European, 0.0092%; no homozygotes.

Submissions (4):

Labcorp Genetics (formerly Invitae), Labcorp
Classification: Likely benign for Amyotrophic lateral sclerosis type 1; Neuronopathy, distal hereditary motor, type 7B; Perry syndrome. Last evaluated: 2025-11-18. Review status: criteria provided, single submitter. Criteria: Invitae Variant Classification Sherloc (09022015). Collection method: clinical testing. Allele origin: germline.

CeGaT Center for Human Genetics Tuebingen
Classification: Likely benign. Last evaluated: 2024-02-01. Review status: criteria provided, single submitter. Criteria: CeGaT Center For Human Genetics Tuebingen Variant Classification Criteria Version 2. Collection method: clinical testing. Allele origin: germline. Affected: yes. Observed: 1 variant allele.
Comment: DCTN1: BP4, BP7

Ambry Genetics
Classification: Likely benign for Inborn genetic diseases. Last evaluated: 2019-07-11. Review status: criteria provided, single submitter. Criteria: Ambry Variant Classification Scheme 2023. Collection method: clinical testing. Allele origin: germline.

PreventionGenetics, part of Exact Sciences
Classification: Likely benign for DCTN1-related condition. Last evaluated: 2022-09-27. Review status: no assertion criteria provided. Collection method: clinical testing. Allele origin: germline. Not counted in ClinVar's aggregate classification.
Comment: This variant is classified as likely benign based on ACMG/AMP sequence variant interpretation guidelines (Richards et al. 2015 PMID: 25741868, with internal and published modifications).

NM_004082.5(DCTN1):c.159C>T (p.Ala53=)

Gene: DCTN1 (dynactin subunit 1; minus strand). Cytogenetic location: 2p13.1.
Variant type: single nucleotide variant.
Coding change: c.159C>T on transcript NM_004082.5 (MANE Select); coding-DNA position 159, C replaced by T.
Protein change: p.Ala53=; no amino-acid change (alanine 53 retained).
Molecular consequence: synonymous variant. On other transcripts: non-coding transcript variant (1).
Genome position (GRCh38, 1-based): chr2:74,378,120, G>A on the plus strand (C>T on the coding strand, the complement: DCTN1 is on the minus strand). VCF-style: chr2-74378120-G-A. GRCh37 (hg19) VCF-style: chr2-74605247-G-A.
Other names: c.159C>T, p.Ala53= (NM_001135040.3, NM_001190837.2); c.108C>T, p.Ala36= (NM_001190836.2, NM_001378991.1, NM_001378992.1).
Identifiers: ClinVar variation 536169 (VCV000536169.36), dbSNP rs759530214, ClinGen allele CA1722598.